The following is an entry in ClinVar:

ClinVar aggregate classification (germline): Uncertain significance. Review status: criteria provided, multiple submitters, no conflicts (2 of 4 stars). 3 submissions from 3 submitters: Uncertain significance (3). Last evaluated 2026-07-08.

Conditions:
Inborn genetic diseases. Identifiers: MedGen C0950123, MeSH D030342.
PKD2-related disorder. Also called: PKD2-related condition.

gnomAD v4.1: 2 of 1,608,576 alleles (0.00012%); highest among the groups gnomAD compares: Non-Finnish European, 0.00017%; no homozygotes.

Submissions (3):

PreventionGenetics, part of Exact Sciences
Classification: Uncertain significance for PKD2-related condition. Last evaluated: 2026-07-08. Review status: criteria provided, single submitter. Criteria: ACMG Guidelines, 2015. Collection method: clinical testing. Allele origin: germline.
Comment: The PKD2 c.656G>A variant is predicted to result in the amino acid substitution p.Ser219Asn. To our knowledge, this variant has not been reported in the literature or in a large population database (gnomAD), indicating this variant is rare. At this time, the clinical significance of this variant is uncertain due to the absence of conclusive functional and genetic evidence.

Ambry Genetics
Classification: Uncertain significance for Inborn genetic diseases. Last evaluated: 2026-03-09. Review status: criteria provided, single submitter. Criteria: Ambry Variant Classification Scheme 2023. Collection method: clinical testing. Allele origin: germline.

GeneDx
Classification: Uncertain significance. Last evaluated: 2025-02-06. Review status: criteria provided, single submitter. Criteria: GeneDx Variant Classification Process June 2021. Collection method: clinical testing. Allele origin: germline. Affected: yes.
Comment: Not observed at significant frequency in large population cohorts (gnomAD); In silico analysis indicates that this missense variant does not alter protein structure/function; Has not been previously published as pathogenic or benign to our knowledge

NM_000297.4(PKD2):c.656G>A (p.Ser219Asn)

Gene: PKD2 (polycystin 2, transient receptor potential cation channel; plus strand). Cytogenetic location: 4q22.1.
Variant type: single nucleotide variant.
Coding change: c.656G>A on transcript NM_000297.4 (MANE Select); coding-DNA position 656, G replaced by A.
Protein change: p.Ser219Asn; replaces serine 219 with asparagine.
Molecular consequence: missense variant. On other transcripts: non-coding transcript variant (1).
Genome position (GRCh38, 1-based): chr4:88,019,518, G>A. VCF-style: chr4-88019518-G-A. GRCh37 (hg19) VCF-style: chr4-88940670-G-A.
Other names: c.656G>A, p.Ser219Asn (NM_001440544.1); short protein forms S219N.
Identifiers: ClinVar variation 4074507 (VCV004074507.3).